The following is an entry in ClinVar:

NM_000320.3(QDPR):c.255C>T (p.Cys85=)

Gene: QDPR (quinoid dihydropteridine reductase; minus strand). Cytogenetic location: 4p15.32.
Variant type: single nucleotide variant.
Coding change: c.255C>T on transcript NM_000320.3 (MANE Select); coding-DNA position 255, C replaced by T.
Protein change: p.Cys85=; no amino-acid change (cysteine 85 retained).
Molecular consequence: synonymous variant. On other transcripts: non-coding transcript variant (1).
Genome position (GRCh38, 1-based): chr4:17,504,419, G>A on the plus strand (C>T on the coding strand, the complement: QDPR is on the minus strand). VCF-style: chr4-17504419-G-A. GRCh37 (hg19) VCF-style: chr4-17506042-G-A.
Other names: c.162C>T, p.Cys54= (NM_001306140.2).
Identifiers: ClinVar variation 348160 (VCV000348160.17), dbSNP rs12645938, ClinGen allele CA2868169.
Genomic context (GRCh38, chr4:17,504,419, plus strand): 5'-TGACTCAGGAAAGGACTCACACTTGGATTTGGCATTGCCCCCGGCCCATCCTCCAGCAAC[G>A]CAAAGAATTGCATCCACCTTCTCTTCACCCAAGAGCTTTCCAACCTCAGCAGTCACCTTC-3'
Protein context (NP_000311.2, residues 75-95): LGEEKVDAIL[Cys85=]VAGGWAGGNA

ClinVar aggregate classification (germline): Benign/Likely benign. Review status: criteria provided, multiple submitters, no conflicts (2 of 4 stars). 5 submissions from 5 submitters: Benign (4); Likely benign (1). Last evaluated 2026-02-04.

Conditions:
Dihydropteridine reductase deficiency (HPABH4C). Also called: HYPERPHENYLALANINEMIA, TETRAHYDROBIOPTERIN-DEFICIENT, DUE TO DHPR DEFICIENCY; QDPR DEFICIENCY; QUINOID DIHYDROPTERIDINE REDUCTASE DEFICIENCY; Hyperphenylalaninemia due to dihydropteridine reductase deficiency; Hyperphenylalaninemia, BH-4-deficient, C; Phenylketonuria type 2. Identifiers: Orphanet 226, Orphanet 238583, MedGen C0268465, MONDO:0009862, OMIM 261630.

Allele frequency attached by ClinVar (database versions not stated): TOPMed 0.03008; 1000 Genomes Project 30x 0.03232; 1000 Genomes Project 0.03295; ESP Exome Variant Server 0.03391; gnomAD 0.03464 and 0.03533; ExAC 0.04049; gnomAD exomes 0.04053 and 0.04554.
gnomAD v4.1: 71,761 of 1,614,008 alleles (4.4%); highest among the groups gnomAD compares: East Asian, 7.1%; 1,794 homozygotes.

Submissions (5):

Labcorp Genetics (formerly Invitae), Labcorp
Classification: Benign for Dihydropteridine reductase deficiency. Last evaluated: 2026-02-04. Review status: criteria provided, single submitter. Criteria: Invitae Variant Classification Sherloc (09022015). Collection method: clinical testing. Allele origin: germline.

Blueprint Genetics
Classification: Likely benign. Last evaluated: 2024-11-26. Review status: criteria provided, single submitter. Criteria: ACMG Guidelines, 2015. Collection method: clinical testing. Allele origin: germline.

GeneDx
Classification: Benign. Last evaluated: 2018-11-21. Review status: criteria provided, single submitter. Criteria: GeneDx Variant Classification Process June 2021. Collection method: clinical testing. Allele origin: germline. Affected: yes.

Illumina Laboratory Services, Illumina
Classification: Benign for Dihydropteridine reductase deficiency. Last evaluated: 2018-01-13. Review status: criteria provided, single submitter. Criteria: ICSL Variant Classification Criteria 13 December 2019. Collection method: clinical testing. Allele origin: germline.
Comment: This variant was observed in the ICSL laboratory as part of a predisposition screen in an ostensibly healthy population. It had not been previously curated by ICSL or reported in the Human Gene Mutation Database (HGMD: prior to June 1st, 2018), and was therefore a candidate for classification through an automated scoring system. Utilizing variant allele frequency, disease prevalence and penetrance estimates, and inheritance mode, an automated score was calculated to assess if this variant is too frequent to cause the disease. Based on the score and internal cut-off values, a variant classified as benign is not then subjected to further curation. The score for this variant resulted in a classification of benign for this disease.

Breakthrough Genomics
Classification: Benign. Review status: criteria provided, single submitter. Criteria: ACMG Guidelines, 2015. Collection method: not provided. Allele origin: germline. Inheritance: Autosomal recessive inheritance. Affected: yes.